The following is an entry in ClinVar:

NM_020366.4(RPGRIP1):c.1901A>G (p.Gln634Arg)

Gene: RPGRIP1 (RPGR interacting protein 1; plus strand). Cytogenetic location: 14q11.2.
Variant type: single nucleotide variant.
Coding change: c.1901A>G on transcript NM_020366.4 (MANE Select); coding-DNA position 1901, A replaced by G.
Protein change: p.Gln634Arg; replaces glutamine 634 with arginine.
Molecular consequence: missense variant. On other transcripts: intron variant (4).
Genome position (GRCh38, 1-based): chr14:21,324,756, A>G. VCF-style: chr14-21324756-A-G. GRCh37 (hg19) VCF-style: chr14-21792915-A-G.
Other names: c.827A>G, p.Gln276Arg (NM_001377948.1); c.796+31A>G (NM_001377949.1); c.688+2752A>G (NM_001377523.1, NM_001377950.1); c.190+2752A>G (NM_001377951.1); short protein forms Q634R, Q276R.
Identifiers: ClinVar variation 1411834 (VCV001411834.6), dbSNP rs1882874181, ClinGen allele CA388867220.
Genomic context (GRCh38, chr14:21,324,756, plus strand): 5'-ATAAAGTGGATATTTCTCTGCTGCATCAGGGTGAGAATCTTTTTGAACTGCACATCCACC[A>G]GGCCTTCCTGACATCTGCCGCCCTAGCTCAGGCTGGAGATACCCAACCTACCACTTTCTG-3'
Protein context (NP_065099.3, residues 624-644): GENLFELHIH[Gln634Arg]AFLTSAALAQ

ClinVar aggregate classification (germline): Uncertain significance (1 of 4 stars; one submission).

Conditions:
Cone-rod dystrophy 13 (CORD13). Identifiers: Orphanet 1872, MedGen C2750720, MONDO:0011987, OMIM 608194.
Leber congenital amaurosis 6 (LCA6). Identifiers: Orphanet 65, MedGen C1854260, MONDO:0013446, OMIM 613826.

gnomAD v4.1: 4 of 1,614,060 alleles (0.00025%); highest among the groups gnomAD compares: Non-Finnish European, 0.00034%; no homozygotes.

Submission:

Labcorp Genetics (formerly Invitae), Labcorp
Classification: Uncertain significance for Leber congenital amaurosis 6; Cone-rod dystrophy 13. Last evaluated: 2021-04-29. Review status: criteria provided, single submitter. Criteria: Invitae Variant Classification Sherloc (09022015). Collection method: clinical testing. Allele origin: germline.
Comment: In summary, the available evidence is currently insufficient to determine the role of this variant in disease. Therefore, it has been classified as a Variant of Uncertain Significance. Algorithms developed to predict the effect of missense changes on protein structure and function are either unavailable or do not agree on the potential impact of this missense change (SIFT: "Tolerated"; PolyPhen-2: "Probably Damaging"; Align-GVGD: "Class C0"). This variant has not been reported in the literature in individuals with RPGRIP1-related conditions. This variant is not present in population databases (ExAC no frequency). This sequence change replaces glutamine with arginine at codon 634 of the RPGRIP1 protein (p.Gln634Arg). The glutamine residue is moderately conserved and there is a small physicochemical difference between glutamine and arginine.